The following is an entry in ClinVar:

NM_032108.4(SEMA6B):c.2156G>C (p.Arg719Pro)

Gene: SEMA6B (semaphorin 6B; minus strand). Cytogenetic location: 19p13.3.
Variant type: single nucleotide variant.
Coding change: c.2156G>C on transcript NM_032108.4 (MANE Select); coding-DNA position 2156, G replaced by C.
Protein change: p.Arg719Pro; replaces arginine 719 with proline.
Molecular consequence: missense variant.
Genome position (GRCh38, 1-based): chr19:4,544,112, C>G on the plus strand (G>C on the coding strand, the complement: SEMA6B is on the minus strand). VCF-style: chr19-4544112-C-G. GRCh37 (hg19) VCF-style: chr19-4544124-C-G.
Other names: short protein forms R719P.
Identifiers: ClinVar variation 3360932 (VCV003360932.1).

ClinVar aggregate classification (germline): Uncertain significance (1 of 4 stars; one submission).

Submission:

GeneDx
Classification: Uncertain significance. Last evaluated: 2023-07-11. Review status: criteria provided, single submitter. Criteria: GeneDx Variant Classification Process June 2021. Collection method: clinical testing. Allele origin: germline. Affected: yes.
Comment: Not observed at significant frequency in large population cohorts (gnomAD); In silico analysis supports that this missense variant has a deleterious effect on protein structure/function; Has not been previously published as pathogenic or benign to our knowledge